The following is an entry in ClinVar:

ClinVar aggregate classification (germline): Uncertain significance (1 of 4 stars; one submission).

Submission:

Labcorp Genetics (formerly Invitae), Labcorp
Classification: Uncertain significance. Last evaluated: 2023-05-16. Review status: criteria provided, single submitter. Criteria: Invitae Variant Classification Sherloc (09022015). Collection method: clinical testing. Allele origin: germline.
Comment: In summary, the available evidence is currently insufficient to determine the role of this variant in disease. Therefore, it has been classified as a Variant of Uncertain Significance. Experimental studies and prediction algorithms are not available or were not evaluated, and the functional significance of this variant is currently unknown. ClinVar contains an entry for this variant (Variation ID: 2068632). This variant has not been reported in the literature in individuals affected with ANKZF1-related conditions. This variant is not present in population databases (gnomAD no frequency). This variant, c.1913_1921del, results in the deletion of 3 amino acid(s) of the ANKZF1 protein (p.Gln638_Glu640del), but otherwise preserves the integrity of the reading frame.

NM_018089.3(ANKZF1):c.1913_1921del (p.Gln638_Glu640del)

Gene: ANKZF1 (ankyrin repeat and zinc finger peptidyl tRNA hydrolase 1; plus strand). Cytogenetic location: 2q35.
Variant type: Deletion.
Coding change: c.1913_1921del on transcript NM_018089.3 (MANE Select); coding-DNA positions 1913 to 1921, 9 bases deleted (AGGAGGAGC; older notation c.1913_1921delAGGAGGAGC).
Protein change: p.Gln638_Glu640del.
Molecular consequence: inframe deletion.
Genome position (GRCh38, 1-based): chr2:219,235,817-219,235,825, AGGAGGAGC deleted; deleting any 9 consecutive bases within chr2:219,235,811-219,235,825 gives the same sequence; the c. name uses the placement nearest the transcript's 3' end. VCF-style (leftmost placement, unchanged base first): chr2-219235810-CAGGAGCAGG-C. GRCh37 (hg19) VCF-style: chr2-220100532-CAGGAGCAGG-C.
Other names: c.1913_1921del, p.Gln638_Glu640del (NM_001042410.2); c.1283_1291del, p.Gln428_Glu430del (NM_001282792.2).
Identifiers: ClinVar variation 2068632 (VCV002068632.4), dbSNP rs1411492917, ClinGen allele CA764940639.